The following is an entry in ClinVar:

NM_000043.6(FAS):c.*84G>A

Gene: FAS (Fas cell surface death receptor; plus strand). Cytogenetic location: 10q23.31.
Variant type: single nucleotide variant.
Coding change: c.*84G>A on transcript NM_000043.6 (MANE Select); 84 bases downstream of the stop codon, G replaced by A.
Molecular consequence: 3 prime UTR variant. On other transcripts: non-coding transcript variant (7).
Genome position (GRCh38, 1-based): chr10:89,014,534, G>A. VCF-style: chr10-89014534-G-A. GRCh37 (hg19) VCF-style: chr10-90774291-G-A.
Other names: c.*415G>A (NM_001320619.2); c.*84G>A (NM_152871.4); c.*404G>A (NM_152872.4).
Identifiers: ClinVar variation 301532 (VCV000301532.5), dbSNP rs754986111, ClinGen allele CA5593259.

ClinVar aggregate classification (germline): Benign (1 of 4 stars; one submission).

Conditions:
Autoimmune lymphoproliferative syndrome type 1. Also called: AUTOIMMUNE LYMPHOPROLIFERATIVE SYNDROME, TYPE I, AUTOSOMAL DOMINANT. Identifiers: Orphanet 3261, MedGen C2717884, MONDO:0011158, OMIM 601859.

Allele frequency attached by ClinVar (database versions not stated): TOPMed 0.00017; gnomAD 0.00019 and 0.00020; gnomAD exomes 0.00019; ExAC 0.00030.
gnomAD v4.1: 316 of 1,263,676 alleles (0.025%); highest among the groups gnomAD compares: Non-Finnish European, 0.034%; no homozygotes.

Submission:

Illumina Laboratory Services, Illumina
Classification: Benign for Autoimmune lymphoproliferative syndrome type 1. Last evaluated: 2018-01-12. Review status: criteria provided, single submitter. Criteria: ICSL Variant Classification Criteria 13 December 2019. Collection method: clinical testing. Allele origin: germline.
Comment: This variant was observed in the ICSL laboratory as part of a predisposition screen in an ostensibly healthy population. It had not been previously curated by ICSL or reported in the Human Gene Mutation Database (HGMD: prior to June 1st, 2018), and was therefore a candidate for classification through an automated scoring system. Utilizing variant allele frequency, disease prevalence and penetrance estimates, and inheritance mode, an automated score was calculated to assess if this variant is too frequent to cause the disease. Based on the score and internal cut-off values, a variant classified as benign is not then subjected to further curation. The score for this variant resulted in a classification of benign for this disease.